The following is an entry in ClinVar:

NM_133433.4(NIPBL):c.832G>A (p.Val278Ile)

Gene: NIPBL (NIPBL cohesin loading factor; plus strand). Cytogenetic location: 5p13.2.
Variant type: single nucleotide variant.
Coding change: c.832G>A on transcript NM_133433.4 (MANE Select); coding-DNA position 832, G replaced by A.
Protein change: p.Val278Ile; replaces valine 278 with isoleucine.
Molecular consequence: missense variant.
Genome position (GRCh38, 1-based): chr5:36,972,005, G>A. VCF-style: chr5-36972005-G-A. GRCh37 (hg19) VCF-style: chr5-36972107-G-A.
Other names: c.832G>A, p.Val278Ile (NM_015384.5); short protein forms V278I.
Identifiers: ClinVar variation 2631756 (VCV002631756.1), dbSNP rs768781698, ClinGen allele CA3235933.

ClinVar aggregate classification (germline): Uncertain significance (1 of 4 stars; one submission).

Conditions:
NIPBL-related disorder. Also called: NIPBL-related condition.

Allele frequency attached by ClinVar (database versions not stated): TOPMed below 0.00001; ExAC 0.00001.

Submission:

PreventionGenetics, part of Exact Sciences
Classification: Uncertain significance for NIPBL-related condition. Last evaluated: 2023-08-03. Review status: criteria provided, single submitter. Criteria: ACMG Guidelines, 2015. Collection method: clinical testing. Allele origin: germline.
Comment: The NIPBL c.832G>A variant is predicted to result in the amino acid substitution p.Val278Ile. To our knowledge, this variant has not been reported in the literature. This variant is reported in 0.0054% of alleles in individuals of East Asian descent in gnomAD. At this time, the clinical significance of this variant is uncertain due to the absence of conclusive functional and genetic evidence.